The following is an entry in ClinVar:

NM_002691.4(POLD1):c.1330C>G (p.Arg444Gly)

Gene: POLD1 (DNA polymerase delta 1, catalytic subunit; plus strand). Cytogenetic location: 19q13.33.
Variant type: single nucleotide variant.
Coding change: c.1330C>G on transcript NM_002691.4 (MANE Select); coding-DNA position 1330, C replaced by G.
Protein change: p.Arg444Gly; replaces arginine 444 with glycine.
Molecular consequence: missense variant. On other transcripts: non-coding transcript variant (1).
Genome position (GRCh38, 1-based): chr19:50,406,269, C>G. VCF-style: chr19-50406269-C-G. GRCh37 (hg19) VCF-style: chr19-50909526-C-G.
Other names: c.1330C>G, p.Arg444Gly (NM_001256849.1, NM_001308632.1); short protein forms R444G.
Identifiers: ClinVar variation 3935584 (VCV003935584.1).

ClinVar aggregate classification (germline): Uncertain significance (1 of 4 stars; one submission).

Conditions:
Hereditary cancer-predisposing syndrome. Also called: Tumor predisposition; Hereditary neoplastic syndrome; Hereditary Cancer Syndrome; Neoplastic Syndromes, Hereditary. Identifiers: Orphanet 140162, MedGen C0027672, MeSH D009386, MONDO:0015356.

Submission:

Ambry Genetics
Classification: Uncertain significance for Hereditary cancer-predisposing syndrome. Last evaluated: 2025-05-27. Review status: criteria provided, single submitter. Criteria: Ambry Variant Classification Scheme 2023. Collection method: clinical testing. Allele origin: germline.
Comment: The p.R444G variant (also known as c.1330C>G), located in coding exon 10 of the POLD1 gene, results from a C to G substitution at nucleotide position 1330. The arginine at codon 444 is replaced by glycine, an amino acid with dissimilar properties. This amino acid position is conserved. In addition, the in silico prediction for this alteration is inconclusive. Based on the available evidence, the clinical significance of this variant remains unclear.